The following is an entry in ClinVar:

ClinVar aggregate classification (germline): Uncertain significance (1 of 4 stars; one submission).

Conditions:
Familial thoracic aortic aneurysm and aortic dissection (TAAD). Also called: Thoracic aortic aneurysms and dissections. Identifiers: Orphanet 91387, MedGen C4707243, MONDO:0019625.

Submission:

Ambry Genetics
Classification: Uncertain significance for Familial thoracic aortic aneurysm and aortic dissection. Last evaluated: 2024-10-24. Review status: criteria provided, single submitter. Criteria: Ambry Variant Classification Scheme 2023. Collection method: clinical testing. Allele origin: germline.
Comment: The p.T1403A variant (also known as c.4207A>G), located in coding exon 30 of the MED12 gene, results from an A to G substitution at nucleotide position 4207. The threonine at codon 1403 is replaced by alanine, an amino acid with similar properties. This amino acid position is conserved. In addition, this alteration is predicted to be tolerated by in silico analysis. Based on the available evidence, the clinical significance of this variant remains unclear.

NM_005120.3(MED12):c.4207A>G (p.Thr1403Ala)

Gene: MED12 (mediator complex subunit 12; plus strand). Cytogenetic location: Xq13.1.
Variant type: single nucleotide variant.
Coding change: c.4207A>G on transcript NM_005120.3 (MANE Select); coding-DNA position 4207, A replaced by G.
Protein change: p.Thr1403Ala; replaces threonine 1403 with alanine.
Molecular consequence: missense variant.
Genome position (GRCh38, 1-based): chrX:71,132,160, A>G. VCF-style: chrX-71132160-A-G. GRCh37 (hg19) VCF-style: chrX-70352010-A-G.
Other names: short protein forms T1403A.
Identifiers: ClinVar variation 3394463 (VCV003394463.1).
Genomic context (GRCh38, chrX:71,132,160, plus strand): 5'-GCCAAGGCCACAATCGAGGTTTTCCAACAGTCAGCAGAGACAGGGTCATCTTCTGGAAGT[A>G]CTGCAAGCAACATGCCCAGCAGCAGCAAGACCAAGCCTGTGCTCAGGTCGGATAGAAACA-3'
Protein context (NP_005111.2, residues 1393-1413): SAETGSSSGS[Thr1403Ala]ASNMPSSSKT